The following is an entry in ClinVar:

NM_005660.3(SLC35A2):c.1073C>T (p.Pro358Leu)

Gene: SLC35A2 (solute carrier family 35 member A2; minus strand). Cytogenetic location: Xp11.23.
Variant type: single nucleotide variant.
Coding change: c.1073C>T on transcript NM_005660.3 (MANE Select); coding-DNA position 1073, C replaced by T.
Protein change: p.Pro358Leu; replaces proline 358 with leucine.
Molecular consequence: missense variant. On other transcripts: synonymous variant (3).
Genome position (GRCh38, 1-based): chrX:48,904,836, G>A on the plus strand (C>T on the coding strand, the complement: SLC35A2 is on the minus strand). VCF-style: chrX-48904836-G-A. GRCh37 (hg19) VCF-style: chrX-48762113-G-A.
Other names: c.483C>T, p.Ala161= (NM_001032289.3, NM_001282647.2); c.1073C>T, p.Pro358Leu (NM_001042498.3); c.411C>T, p.Ala137= (NM_001282648.2); c.890C>T, p.Pro297Leu (NM_001282649.2); c.1112C>T, p.Pro371Leu (NM_001282650.2); c.1157C>T, p.Pro386Leu (NM_001282651.2); short protein forms P297L, P371L, P386L, P358L.
Identifiers: ClinVar variation 1426367 (VCV001426367.8), dbSNP rs2147485349, ClinGen allele CA412894190.

ClinVar aggregate classification (germline): Uncertain significance (1 of 4 stars; one submission).

Conditions:
SLC35A2-congenital disorder of glycosylation. Also called: DEVELOPMENTAL AND EPILEPTIC ENCEPHALOPATHY 22; SLC35A2-CDG; EPILEPTIC ENCEPHALOPATHY, EARLY INFANTILE, 22; CONGENITAL DISORDER OF GLYCOSYLATION, TYPE IIm; CDG IIm; CONGENITAL DISORDER OF GLYCOSYLATION, TYPE IIm, SOMATIC MOSAIC. Identifiers: Orphanet 356961, MedGen C3806688, MONDO:0010478, OMIM 300896.

Submission:

Labcorp Genetics (formerly Invitae), Labcorp
Classification: Uncertain significance for SLC35A2-congenital disorder of glycosylation. Last evaluated: 2024-09-16. Review status: criteria provided, single submitter. Criteria: Invitae Variant Classification Sherloc (09022015). Collection method: clinical testing. Allele origin: germline.
Comment: This sequence change replaces proline, which is neutral and non-polar, with leucine, which is neutral and non-polar, at codon 358 of the SLC35A2 protein (p.Pro358Leu). This variant is not present in population databases (gnomAD no frequency). This variant has not been reported in the literature in individuals affected with SLC35A2-related conditions. ClinVar contains an entry for this variant (Variation ID: 1426367). Invitae Evidence Modeling of protein sequence and biophysical properties (such as structural, functional, and spatial information, amino acid conservation, physicochemical variation, residue mobility, and thermodynamic stability) has been performed for this missense variant. However, the output from this modeling did not meet the statistical confidence thresholds required to predict the impact of this variant on SLC35A2 protein function. In summary, the available evidence is currently insufficient to determine the role of this variant in disease. Therefore, it has been classified as a Variant of Uncertain Significance.